The following is an entry in ClinVar:

ClinVar aggregate classification (germline): Benign/Likely benign. Review status: criteria provided, multiple submitters, no conflicts (2 of 4 stars). 3 submissions from 3 submitters: Benign (1); Likely benign (2). Last evaluated 2026-08-01.

Submissions (3):

CeGaT Center for Human Genetics Tuebingen
Classification: Likely benign. Last evaluated: 2026-08-01. Review status: criteria provided, single submitter. Criteria: CeGaT Center For Human Genetics Tuebingen Variant Classification Criteria Version 2. Collection method: clinical testing. Allele origin: germline. Affected: yes. Observed: 13 variant alleles.
Comment: RELN: BP4, BS2

GeneDx
Classification: Likely benign. Last evaluated: 2020-08-14. Review status: criteria provided, single submitter. Criteria: GeneDx Variant Classification Process June 2021. Collection method: clinical testing. Allele origin: germline. Affected: yes.

Eurofins Ntd Llc (ga)
Classification: Benign. Last evaluated: 2015-12-02. Review status: criteria provided, single submitter. Criteria: EGL Classification Definitions 2015. Collection method: clinical testing. Allele origin: germline. Observed: 1 variant allele.

NM_005045.4(RELN):c.-24GGC[4]

Gene: RELN (reelin; minus strand). Cytogenetic location: 7q22.1.
Variant type: Microsatellite.
Coding change: c.-24GGC[4] on transcript NM_005045.4 (MANE Select); four copies in a row of the 3-base unit GGC starting at c.-24; the reference has eight copies in a row; four copies, 12 bases deleted.
Molecular consequence: 5 prime UTR variant.
Genome position (GRCh38, 1-based): chr7:103,989,357-103,989,368, GCCGCCGCCGCC deleted on the plus strand (GGCGGCGGCGGC on the coding strand, the reverse complement: RELN is on the minus strand); deleting any 12 consecutive bases within chr7:103,989,357-103,989,382 gives the same sequence; the position shown is the placement nearest the transcript's 3' end. VCF-style (leftmost placement, unchanged base first): chr7-103989356-TGCCGCCGCCGCC-T. GRCh37 (hg19) VCF-style: chr7-103629803-TGCCGCCGCCGCC-T.
Other names: c.-24GGC[4] (NM_173054.3).
Identifiers: ClinVar variation 418580 (VCV000418580.31), dbSNP rs55656324, ClinGen allele CA4422749.